The following is an entry in ClinVar:

ClinVar aggregate classification (germline): Conflicting classifications of pathogenicity. Review status: criteria provided, conflicting classifications (1 of 4 stars). 5 submissions from 5 submitters: Uncertain significance (3); Likely benign (2). Last evaluated 2025-04-07.

Conditions:
Arrhythmogenic right ventricular cardiomyopathy (ARVD). Also called: Cardiomyopathy, ARVC; Arrhythmogenic right ventricular dysplasia; Arrhythmogenic cardiomyopathy; Arrhythmogenic Right Ventricular Cardiomyopathy (ARVC). Identifiers: Orphanet 247, MedGen C0349788, MeSH D019571, MONDO:0016587. Disease mechanism: loss of function. Inheritance: Various modes of inheritance.
Cardiomyopathy (CMYO). Also called: Cardiomyopathies. Identifiers: Orphanet 167848, MedGen C0878544, MONDO:0004994, HP:0001638. Inheritance: Various modes of inheritance.
Arrhythmogenic right ventricular dysplasia 10. Also called: Arrhythmogenic right ventricular dysplasia/cardiomyopathy, type 10; Arrhythmogenic Right Ventricular Dysplasia/Cardiomyopathy10; ARRHYTHMOGENIC RIGHT VENTRICULAR DYSPLASIA, FAMILIAL, 10. Identifiers: MedGen C1857777, MONDO:0012434, OMIM 610193.
Cardiovascular phenotype. Identifiers: MedGen CN230736.

Allele frequency attached by ClinVar (database versions not stated): gnomAD 0.00001; gnomAD exomes 0.00001 and 0.00002.
gnomAD v4.1: 15 of 1,614,010 alleles (0.00093%); highest among the groups gnomAD compares: African/African-American, 0.0027%; no homozygotes.

Submissions (5):

Labcorp Genetics (formerly Invitae), Labcorp
Classification: Uncertain significance for Arrhythmogenic right ventricular dysplasia 10. Last evaluated: 2025-04-07. Review status: criteria provided, single submitter. Criteria: Invitae Variant Classification Sherloc (09022015). Collection method: clinical testing. Allele origin: germline.
Comment: This sequence change replaces alanine, which is neutral and non-polar, with threonine, which is neutral and polar, at codon 641 of the DSG2 protein (p.Ala641Thr). This variant is present in population databases (no rsID available, gnomAD 0.02%). This variant has not been reported in the literature in individuals affected with DSG2-related conditions. ClinVar contains an entry for this variant (Variation ID: 1500824). Invitae Evidence Modeling of protein sequence and biophysical properties (such as structural, functional, and spatial information, amino acid conservation, physicochemical variation, residue mobility, and thermodynamic stability) indicates that this missense variant is not expected to disrupt DSG2 protein function with a negative predictive value of 95%. In summary, the available evidence is currently insufficient to determine the role of this variant in disease. Therefore, it has been classified as a Variant of Uncertain Significance.

Ambry Genetics
Classification: Likely benign for Cardiovascular phenotype. Last evaluated: 2025-03-28. Review status: criteria provided, single submitter. Criteria: Ambry Variant Classification Scheme 2023. Collection method: clinical testing. Allele origin: germline.

Color Diagnostics, LLC DBA Color Health
Classification: Likely benign for Cardiomyopathy. Last evaluated: 2025-01-07. Review status: criteria provided, single submitter. Criteria: ACMG Guidelines, 2015. Collection method: clinical testing. Allele origin: germline.

GeneDx
Classification: Uncertain significance. Last evaluated: 2024-05-08. Review status: criteria provided, single submitter. Criteria: GeneDx Variant Classification Process June 2021. Collection method: clinical testing. Allele origin: germline. Affected: yes.
Comment: Not observed at significant frequency in large population cohorts (gnomAD); In silico analysis indicates that this missense variant does not alter protein structure/function; Has not been previously published as pathogenic or benign to our knowledge

All of Us Research Program, National Institutes of Health
Classification: Uncertain significance for Arrhythmogenic right ventricular cardiomyopathy. Last evaluated: 2023-12-18. Review status: criteria provided, single submitter. Criteria: ACMG Guidelines, 2015. Collection method: clinical testing. Allele origin: germline. Inheritance: Autosomal dominant inheritance. Observed: 6 variant alleles, 6 heterozygotes.
Comment: This missense variant replaces alanine with threonine at codon 641 of the DSG2 protein. Computational prediction suggests that this variant may not impact protein structure and function (internally defined REVEL score threshold <= 0.5, PMID: 27666373). To our knowledge, functional studies have not been reported for this variant. This variant has not been reported in individuals affected with cardiovascular disorders in the literature. This variant has been identified in 5/249272 chromosomes in the general population by the Genome Aggregation Database (gnomAD). The available evidence is insufficient to determine the role of this variant in disease conclusively. Therefore, this variant is classified as a Variant of Uncertain Significance.

This study involves interpretation of variants in research participants for the purpose of population health screening. Participant phenotype was not available at the time of variant classification. Additional details can be found in publication PMID: 35346344, PMCID: PMC8962531

NM_001943.5(DSG2):c.1921G>A (p.Ala641Thr)

Gene: DSG2 (desmoglein 2; plus strand). Cytogenetic location: 18q12.1.
Variant type: single nucleotide variant.
Coding change: c.1921G>A on transcript NM_001943.5 (MANE Select); coding-DNA position 1921, G replaced by A.
Protein change: p.Ala641Thr; replaces alanine 641 with threonine.
Molecular consequence: missense variant.
Genome position (GRCh38, 1-based): chr18:31,541,234, G>A. VCF-style: chr18-31541234-G-A. GRCh37 (hg19) VCF-style: chr18-29121197-G-A.
Other names: short protein forms A641T.
Identifiers: ClinVar variation 1500824 (VCV001500824.14), dbSNP rs1445203397, ClinGen allele CA402139357.